The following is an entry in ClinVar:

NM_001079802.2(FKTN):c.970_973delinsTT (p.Ile324fs)

Gene: FKTN (fukutin; plus strand). Cytogenetic location: 9q31.2.
Variant type: Indel.
Coding change: c.970_973delinsTT on transcript NM_001079802.2 (MANE Select); coding-DNA positions 970 to 973, ATAC replaced by TT.
Protein change: p.Ile324fs; shifts the reading frame from isoleucine 324.
Molecular consequence: frameshift variant. On other transcripts: non-coding transcript variant (1).
Genome position (GRCh38, 1-based): chr9:105,618,018-105,618,021, ATAC replaced by TT. VCF-style: chr9-105618018-ATAC-TT. GRCh37 (hg19) VCF-style: chr9-108380299-ATAC-TT.
Other names: c.970_973delinsTT, p.Ile324fs (NM_001198963.2, NM_001351496.2, NM_001351498.2 and 1 more transcripts); c.901_904delinsTT, p.Ile301fs (NM_001351497.2); c.574_577delinsTT, p.Ile192fs (NM_001351499.2, NM_001351500.2, NM_001351501.2 and 1 more transcripts); short protein forms I192fs, I301fs, I324fs.
Identifiers: ClinVar variation 1725272 (VCV001725272.3), dbSNP rs2539710360, ClinGen allele CA2580079313.
Genomic context (GRCh38, chr9:105,618,018, plus strand): 5'-GGATGGTATCGACAATGCAACATTATTCCTTATAGCAAAGATGTTGACCTAGGAATTTTT[ATAC>TT]AAGATTACAAATCTGATATTATTTTAGCATTTCAGGATGCAGGACTTCCGCTCAAACACA-3'

ClinVar aggregate classification (germline): Likely pathogenic (1 of 4 stars; one submission).

Conditions:
Myopathy caused by variation in FKTN. Identifiers: MedGen CN305638, MONDO:0700067.

Submission:

Myriad Genetics, Inc.
Classification: Likely pathogenic for Myopathy caused by variation in FKTN. Last evaluated: 2022-03-15. Review status: criteria provided, single submitter. Criteria: Myriad Autosomal Dominant, Autosomal Recessive and X-Linked Classification Criteria (2023). Collection method: clinical testing. Allele origin: unknown.
Comment: NM_001079802.1(FKTN):c.970_973delATACinsTT(I324Lfs*6) is expected to be pathogenic in the context of FKTN-related disorders. This variant is predicted to lead to an abnormal or absent protein product due to the creation of a premature termination codon in FKTN, a gene where loss-of-function variants are known to be pathogenic. Please note: this variant was assessed in the context of healthy population screening.